The following is an entry in ClinVar:

NM_006445.4(PRPF8):c.5889A>C (p.Glu1963Asp)

Gene: PRPF8 (pre-mRNA processing factor 8; minus strand). Cytogenetic location: 17p13.3.
Variant type: single nucleotide variant.
Coding change: c.5889A>C on transcript NM_006445.4 (MANE Select); coding-DNA position 5889, A replaced by C.
Protein change: p.Glu1963Asp; replaces glutamic acid 1963 with aspartic acid.
Molecular consequence: missense variant.
Genome position (GRCh38, 1-based): chr17:1,655,448, T>G on the plus strand (A>C on the coding strand, the complement: PRPF8 is on the minus strand). VCF-style: chr17-1655448-T-G. GRCh37 (hg19) VCF-style: chr17-1558742-T-G.
Other names: short protein forms E1963D.
Identifiers: ClinVar variation 2753915 (VCV002753915.3), dbSNP rs1597227637, ClinGen allele CA397569457.

ClinVar aggregate classification (germline): Uncertain significance (1 of 4 stars; one submission).

Submission:

Labcorp Genetics (formerly Invitae), Labcorp
Classification: Uncertain significance. Last evaluated: 2023-08-18. Review status: criteria provided, single submitter. Criteria: Invitae Variant Classification Sherloc (09022015). Collection method: clinical testing. Allele origin: germline.
Comment: In summary, the available evidence is currently insufficient to determine the role of this variant in disease. Therefore, it has been classified as a Variant of Uncertain Significance. This sequence change replaces glutamic acid, which is acidic and polar, with aspartic acid, which is acidic and polar, at codon 1963 of the PRPF8 protein (p.Glu1963Asp). This variant is not present in population databases (gnomAD no frequency). This variant has not been reported in the literature in individuals affected with PRPF8-related conditions. Advanced modeling of protein sequence and biophysical properties (such as structural, functional, and spatial information, amino acid conservation, physicochemical variation, residue mobility, and thermodynamic stability) performed at Invitae indicates that this missense variant is not expected to disrupt PRPF8 protein function.